The following is an entry in ClinVar:

ClinVar aggregate classification (germline): Uncertain significance (1 of 4 stars; one submission).

gnomAD v4.1: 25 of 1,613,964 alleles (0.0015%); highest among the groups gnomAD compares: East Asian, 0.018%; no homozygotes.

Submission:

Labcorp Genetics (formerly Invitae), Labcorp
Classification: Uncertain significance. Last evaluated: 2025-07-04. Review status: criteria provided, single submitter. Criteria: Invitae Variant Classification Sherloc (09022015). Collection method: clinical testing. Allele origin: germline.
Comment: This sequence change replaces arginine, which is basic and polar, with cysteine, which is neutral and slightly polar, at codon 950 of the MYO3A protein (p.Arg950Cys). This variant is present in population databases (rs78316055, gnomAD 0.03%). This variant has not been reported in the literature in individuals affected with MYO3A-related conditions. Invitae Evidence Modeling of protein sequence and biophysical properties (such as structural, functional, and spatial information, amino acid conservation, physicochemical variation, residue mobility, and thermodynamic stability) indicates that this missense variant is not expected to disrupt MYO3A protein function with a negative predictive value of 80%. Algorithms developed to predict the effect of sequence changes on RNA splicing suggest that this variant may create or strengthen a splice site. In summary, the available evidence is currently insufficient to determine the role of this variant in disease. Therefore, it has been classified as a Variant of Uncertain Significance.

NM_017433.5(MYO3A):c.2848C>T (p.Arg950Cys)

Gene: MYO3A (myosin IIIA; plus strand). Cytogenetic location: 10p12.1.
Variant type: single nucleotide variant.
Coding change: c.2848C>T on transcript NM_017433.5 (MANE Select); coding-DNA position 2848, C replaced by T.
Protein change: p.Arg950Cys; replaces arginine 950 with cysteine.
Molecular consequence: missense variant.
Genome position (GRCh38, 1-based): chr10:26,157,364, C>T. VCF-style: chr10-26157364-C-T. GRCh37 (hg19) VCF-style: chr10-26446293-C-T.
Other names: short protein forms R950C.
Identifiers: ClinVar variation 4691402 (VCV004691402.1).
Genomic context (GRCh38, chr10:26,157,364, plus strand): 5'-TTATAGTATTCCCTGATGGATTTGTTGTCTAAAATGGTGGTGGGCCAACCTCATTTTGTC[C>T]GTTGCATCAAACCAAATAGTGAGCGTCAGGCAAGAAAATATGACAAAGAGAAAGTTCTGC-3'
Protein context (NP_059129.3, residues 940-960): KMVVGQPHFV[Arg950Cys]CIKPNSERQA